The following is an entry in ClinVar:

ClinVar aggregate classification (germline): Likely benign. Review status: criteria provided, single submitter (1 of 4 stars). 2 submissions from 2 submitters: Likely benign (1). 1 of the submissions does not count toward it. Last evaluated 2025-07-22.

Conditions:
Imerslund-Grasbeck syndrome. Also called: PERNICIOUS ANEMIA, JUVENILE, DUE TO SELECTIVE INTESTINAL MALABSORPTION OF VITAMIN B12, WITH PROTEINURIA; Imerslund-Gräsbeck syndrome; Megaloblastic anemia due to inborn errors of metabolism; ENTEROCYTE COBALAMIN MALABSORPTION; ENTEROCYTE INTRINSIC FACTOR RECEPTOR, DEFECT OF. Identifiers: Orphanet 35858, MedGen C4551825, MONDO:0009853.
CUBN-related disorder. Also called: CUBN-related condition.

Allele frequency attached by ClinVar (database versions not stated): ESP Exome Variant Server 0.00008.
gnomAD v4.1: 205 of 1,613,848 alleles (0.013%); highest among the groups gnomAD compares: Non-Finnish European, 0.016%; no homozygotes.

Submissions (2):

Labcorp Genetics (formerly Invitae), Labcorp
Classification: Likely benign for Imerslund-Grasbeck syndrome. Last evaluated: 2025-07-22. Review status: criteria provided, single submitter. Criteria: Invitae Variant Classification Sherloc (09022015). Collection method: clinical testing. Allele origin: germline.

PreventionGenetics, part of Exact Sciences
Classification: Likely benign for CUBN-related condition. Last evaluated: 2024-08-08. Review status: no assertion criteria provided. Collection method: clinical testing. Allele origin: germline. Not counted in ClinVar's aggregate classification.
Comment: This variant is classified as likely benign based on ACMG/AMP sequence variant interpretation guidelines (Richards et al. 2015 PMID: 25741868, with internal and published modifications).

NM_001081.4(CUBN):c.9942G>A (p.Pro3314=)

Gene: CUBN (cubilin; minus strand). Cytogenetic location: 10p13.
Variant type: single nucleotide variant.
Coding change: c.9942G>A on transcript NM_001081.4 (MANE Select); coding-DNA position 9942, G replaced by A.
Protein change: p.Pro3314=; no amino-acid change (proline 3314 retained).
Molecular consequence: synonymous variant.
Genome position (GRCh38, 1-based): chr10:16,840,420, C>T on the plus strand (G>A on the coding strand, the complement: CUBN is on the minus strand). VCF-style: chr10-16840420-C-T. GRCh37 (hg19) VCF-style: chr10-16882419-C-T.
Other names: c.9942G>A (NM_001081.3).
Identifiers: ClinVar variation 1123198 (VCV001123198.10), dbSNP rs375963302, ClinGen allele CA5422540.